The following is an entry in ClinVar:

NM_033118.4(MYLK2):c.243C>G (p.Asp81Glu)

Gene: MYLK2 (myosin light chain kinase 2; plus strand). Cytogenetic location: 20q11.21.
Variant type: single nucleotide variant.
Coding change: c.243C>G on transcript NM_033118.4 (MANE Select); coding-DNA position 243, C replaced by G.
Protein change: p.Asp81Glu; replaces aspartic acid 81 with glutamic acid.
Molecular consequence: missense variant.
Genome position (GRCh38, 1-based): chr20:31,820,316, C>G. VCF-style: chr20-31820316-C-G. GRCh37 (hg19) VCF-style: chr20-30408119-C-G.
Other names: short protein forms D81E.
Identifiers: ClinVar variation 2199273 (VCV002199273.4), dbSNP rs138517155, ClinGen allele CA9802868.

ClinVar aggregate classification (germline): Uncertain significance (1 of 4 stars; one submission).

Conditions:
Hypertrophic cardiomyopathy 1 (CMH1). Also called: Familial hypertrophic cardiomyopathy 1; MYH7-Related Familial Hypertrophic Cardiomyopathy. Identifiers: MedGen C3495498, MONDO:0008647, OMIM 192600.

Allele frequency attached by ClinVar (database versions not stated): gnomAD 0.00001; ESP Exome Variant Server 0.00008.
gnomAD v4.1: 5 of 1,613,126 alleles (0.00031%); highest among the groups gnomAD compares: Non-Finnish European, 0.00042%; no homozygotes.

Submission:

Labcorp Genetics (formerly Invitae), Labcorp
Classification: Uncertain significance for Hypertrophic cardiomyopathy 1. Last evaluated: 2025-06-17. Review status: criteria provided, single submitter. Criteria: Invitae Variant Classification Sherloc (09022015). Collection method: clinical testing. Allele origin: germline.
Comment: This sequence change replaces aspartic acid, which is acidic and polar, with glutamic acid, which is acidic and polar, at codon 81 of the MYLK2 protein (p.Asp81Glu). This variant is present in population databases (rs138517155, gnomAD 0.002%). This variant has not been reported in the literature in individuals affected with MYLK2-related conditions. ClinVar contains an entry for this variant (Variation ID: 2199273). Invitae Evidence Modeling of protein sequence and biophysical properties (such as structural, functional, and spatial information, amino acid conservation, physicochemical variation, residue mobility, and thermodynamic stability) indicates that this missense variant is not expected to disrupt MYLK2 protein function with a negative predictive value of 80%. In summary, the available evidence is currently insufficient to determine the role of this variant in disease. Therefore, it has been classified as a Variant of Uncertain Significance.